The following is an entry in ClinVar:

NM_002454.3(MTRR):c.869T>C (p.Ile290Thr)

Gene: MTRR (5-methyltetrahydrofolate-homocysteine methyltransferase reductase; plus strand). Cytogenetic location: 5p15.31.
Variant type: single nucleotide variant.
Coding change: c.869T>C on transcript NM_002454.3 (MANE Select); coding-DNA position 869, T replaced by C.
Protein change: p.Ile290Thr; replaces isoleucine 290 with threonine.
Molecular consequence: missense variant. On other transcripts: non-coding transcript variant (14).
Genome position (GRCh38, 1-based): chr5:7,883,243, T>C. VCF-style: chr5-7883243-T-C. GRCh37 (hg19) VCF-style: chr5-7883356-T-C.
Other names: c.869T>C, p.Ile290Thr (NM_001364440.2, NM_001364441.2, NM_001364442.2 and 1 more transcripts); short protein forms I290T.
Identifiers: ClinVar variation 354357 (VCV000354357.26), dbSNP rs144899305, ClinGen allele CA3195718.

ClinVar aggregate classification (germline): Conflicting classifications of pathogenicity. Review status: criteria provided, conflicting classifications (1 of 4 stars). 9 submissions from 9 submitters: Uncertain significance (6); Likely benign (2). 1 of the submissions does not count toward it. Last evaluated 2026-01-28.

Conditions:
Disorders of Intracellular Cobalamin Metabolism. Identifiers: MedGen CN043592.
Methylcobalamin deficiency type cblE (HMAE). Also called: VITAMIN B12-RESPONSIVE HOMOCYSTINURIA, cblE TYPE; HOMOCYSTINURIA-MEGALOBLASTIC ANEMIA, cblE TYPE; HOMOCYSTINURIA-MEGALOBLASTIC ANEMIA, cblE COMPLEMENTATION TYPE. Identifiers: Orphanet 2169, Orphanet 622, MedGen C1856057, MONDO:0009354, OMIM 236270.
Inborn genetic diseases. Identifiers: MedGen C0950123, MeSH D030342.
Neural tube defects, folate-sensitive (NTDFS). Also called: NTD, FOLATE-SENSITIVE. Identifiers: Orphanet 823, MedGen C1866558, MONDO:0011120, OMIM 601634.

Allele frequency attached by ClinVar (database versions not stated): ESP Exome Variant Server 0.00054; TOPMed 0.00087; gnomAD 0.00092 and 0.00096; gnomAD exomes 0.00095 and 0.00136; ExAC 0.00105.

Submissions (9):

Labcorp Genetics (formerly Invitae), Labcorp
Classification: Likely benign for Methylcobalamin deficiency type cblE. Last evaluated: 2026-01-28. Review status: criteria provided, single submitter. Criteria: Invitae Variant Classification Sherloc (09022015). Collection method: clinical testing. Allele origin: germline.

Blueprint Genetics
Classification: Uncertain significance. Last evaluated: 2024-11-25. Review status: criteria provided, single submitter. Criteria: ACMG Guidelines, 2015. Collection method: clinical testing. Allele origin: germline.

Fulgent Genetics
Classification: Uncertain significance for Methylcobalamin deficiency type cblE; Neural tube defects, folate-sensitive. Last evaluated: 2024-02-14. Review status: criteria provided, single submitter. Criteria: ACMG Guidelines, 2015. Collection method: clinical testing. Allele origin: germline.

Ambry Genetics
Classification: Likely benign for Inborn genetic diseases. Last evaluated: 2024-02-09. Review status: criteria provided, single submitter. Criteria: Ambry Variant Classification Scheme 2023. Collection method: clinical testing. Allele origin: germline.

GeneDx
Classification: Uncertain significance. Last evaluated: 2023-12-18. Review status: criteria provided, single submitter. Criteria: GeneDx Variant Classification Process June 2021. Collection method: clinical testing. Allele origin: germline. Affected: yes.
Comment: In silico analysis supports that this missense variant has a deleterious effect on protein structure/function; Has not been previously published as pathogenic or benign to our knowledge, in association with a MTRR-related disorder; This variant is associated with the following publications: (PMID: 31063268)

ARUP Laboratories, Molecular Genetics and Genomics, ARUP Laboratories
Classification: Uncertain significance. Last evaluated: 2022-05-05. Review status: criteria provided, single submitter. Criteria: ARUP Molecular Germline Variant Investigation Process 2021. Collection method: clinical testing. Allele origin: germline.
Comment: The MTRR c.869T>C; p.Ile290Thr variant (rs144899305), to our knowledge, is not reported in an individual with homocystinuria-megaloblastic anemia, but is reported in the literature in an individual with cleft lip (Marini 2019). This variant is reported in ClinVar (Variation ID: 354357) and is found in the non-Finnish European population with an allele frequency of 0.18% (233/129,162 alleles) in the Genome Aggregation Database. The isoleucine at codon 290 is weakly conserved, and computational analyses predict that this variant is neutral (REVEL: 0.148). Due to limited information, the clinical significance of the p.Ile290Thr variant is uncertain at this time. References: Marini NJ et al. Accumulation of rare coding variants in genes implicated in risk of human cleft lip with or without cleft palate. Am J Med Genet A. 2019 Jul;179(7):1260-1269. PMID: 31063268.

Baylor Genetics
Classification: Uncertain significance for Methylcobalamin deficiency type cblE. Last evaluated: 2022-03-15. Review status: criteria provided, single submitter. Criteria: ACMG Guidelines, 2015. Collection method: clinical testing. Allele origin: unknown.

Illumina Laboratory Services, Illumina
Classification: Uncertain significance for Disorders of Intracellular Cobalamin Metabolism. Last evaluated: 2018-01-13. Review status: criteria provided, single submitter. Criteria: ICSL Variant Classification Criteria 13 December 2019. Collection method: clinical testing. Allele origin: germline.

Natera, Inc.
Classification: Likely benign for CblE complementation type homocystinuria-megaloblastic anemia due to defect in cobalamin metabolism. Last evaluated: 2020-05-01. Review status: no assertion criteria provided. Collection method: clinical testing. Allele origin: germline. Not counted in ClinVar's aggregate classification.

Literature cited by the submitters: PubMed 28518168 (cited by Ambry Genetics); PubMed 32461654 (cited by Ambry Genetics).